The following is an entry in ClinVar:

NM_016284.5(CNOT1):c.1894G>A (p.Ala632Thr)

Gene: CNOT1 (CCR4-NOT transcription complex subunit 1; minus strand). Cytogenetic location: 16q21.
Variant type: single nucleotide variant.
Coding change: c.1894G>A on transcript NM_016284.5 (MANE Select); coding-DNA position 1894, G replaced by A.
Protein change: p.Ala632Thr; replaces alanine 632 with threonine.
Molecular consequence: missense variant. On other transcripts: non-coding transcript variant (1).
Genome position (GRCh38, 1-based): chr16:58,574,694, C>T on the plus strand (G>A on the coding strand, the complement: CNOT1 is on the minus strand). VCF-style: chr16-58574694-C-T. GRCh37 (hg19) VCF-style: chr16-58608598-C-T.
Other names: c.1894G>A, p.Ala632Thr (NM_001265612.2, NM_206999.3); short protein forms A632T.
Identifiers: ClinVar variation 3253531 (VCV003253531.1), dbSNP rs2041400772.

ClinVar aggregate classification (germline): Uncertain significance (1 of 4 stars; one submission).

Submission:

GeneDx
Classification: Uncertain significance. Last evaluated: 2023-08-16. Review status: criteria provided, single submitter. Criteria: GeneDx Variant Classification Process June 2021. Collection method: clinical testing. Allele origin: germline. Affected: yes.
Comment: Not observed at significant frequency in large population cohorts (gnomAD); In silico analysis supports that this missense variant does not alter protein structure/function; Has not been previously published as pathogenic or benign to our knowledge